The following is an entry in ClinVar:

NM_001127511.3(APC):c.-166C>G

Gene: APC (APC regulator of Wnt signaling pathway; plus strand). Cytogenetic location: 5q22.2.
Variant type: single nucleotide variant.
Coding change: c.-166C>G on transcript NM_001127511.3; 166 bases upstream of the start codon, C replaced by G.
Molecular consequence: 5 prime UTR variant. On other transcripts: non-coding transcript variant (2).
Genome position (GRCh38, 1-based): chr5:112,707,552, C>G. VCF-style: chr5-112707552-C-G. GRCh37 (hg19) VCF-style: chr5-112043249-C-G.
Other names: c.-116C>G (NM_001407457.1, NM_001407458.1, NM_001407448.1 and 1 more transcripts); c.-349C>G (NM_001407460.1, NM_001407469.1, NM_001354895.2 and 3 more transcripts); c.-1384C>G (NM_001407470.1, NM_001407472.1); c.-166C>G (NM_001354897.2, NM_001354902.2, NM_001407446.1); c.-140C>G (NM_001407453.1).
Identifiers: ClinVar variation 469847 (VCV000469847.7), dbSNP rs904001781, ClinGen allele CA658655887.

ClinVar aggregate classification (germline): Uncertain significance (1 of 4 stars; one submission).

Conditions:
Familial adenomatous polyposis 1 (FAP1). Also called: FAMILIAL ADENOMATOUS POLYPOSIS 1, ATTENUATED; POLYPOSIS, ADENOMATOUS INTESTINAL. Identifiers: MedGen C2713442, MONDO:0021056, OMIM 175100. Disease mechanism: loss of function.

Allele frequency attached by ClinVar (database versions not stated): TOPMed 0.00002.
gnomAD v4.1: 1 of 575,060 alleles (0.00017%); highest among the groups gnomAD compares: African/African-American, 0.0019%; no homozygotes.

Submission:

Labcorp Genetics (formerly Invitae), Labcorp
Classification: Uncertain significance for Familial adenomatous polyposis 1. Last evaluated: 2025-07-20. Review status: criteria provided, single submitter. Criteria: Invitae Variant Classification Sherloc (09022015). Collection method: clinical testing. Allele origin: germline.
Comment: This variant occurs in a non-coding region of the APC gene. It does not change the encoded amino acid sequence of the APC protein. This variant is not present in population databases (gnomAD no frequency). This variant has not been reported in the literature in individuals affected with APC-related conditions. ClinVar contains an entry for this variant (Variation ID: 469847). Experimental studies and prediction algorithms are not available or were not evaluated, and the functional significance of this variant is currently unknown. In summary, the available evidence is currently insufficient to determine the role of this variant in disease. Therefore, it has been classified as a Variant of Uncertain Significance.